The following is an entry in ClinVar:

ClinVar aggregate classification (germline): Uncertain significance (1 of 4 stars; one submission).

Conditions:
Pseudohypoaldosteronism type 2C (PHA2C). Also called: Pseudohypoaldosteronism Type IIC. Identifiers: Orphanet 757, Orphanet 88940, MedGen C1840391, MONDO:0013778, OMIM 614492.
Neuropathy, hereditary sensory and autonomic, type 2A (HSAN2A). Also called: ACROOSTEOLYSIS, GIACCAI TYPE; ACROOSTEOLYSIS, NEUROGENIC; MORVAN DISEASE; NEUROPATHY, CONGENITAL SENSORY; NEUROPATHY, HEREDITARY SENSORY RADICULAR, AUTOSOMAL RECESSIVE; NEUROPATHY, HEREDITARY SENSORY, TYPE IIA. Identifiers: Orphanet 970, MedGen C2752089, MONDO:0024309, OMIM 201300.

Submission:

Labcorp Genetics (formerly Invitae), Labcorp
Classification: Uncertain significance for Neuropathy, hereditary sensory and autonomic, type 2A; Pseudohypoaldosteronism type 2C. Last evaluated: 2020-07-30. Review status: criteria provided, single submitter. Criteria: Invitae Variant Classification Sherloc (09022015). Collection method: clinical testing. Allele origin: germline.
Comment: In summary, the available evidence is currently insufficient to determine the role of this variant in disease. Therefore, it has been classified as a Variant of Uncertain Significance. Algorithms developed to predict the effect of missense changes on protein structure and function are either unavailable or do not agree on the potential impact of this missense change (SIFT: "Deleterious"; PolyPhen-2: "Not Available"; Align-GVGD: "Class C0"). This variant has not been reported in the literature in individuals with WNK1-related conditions. This variant is not present in population databases (ExAC no frequency). This sequence change replaces aspartic acid with asparagine at codon 2512 of the WNK1 protein (p.Asp2512Asn). The aspartic acid residue is highly conserved and there is a small physicochemical difference between aspartic acid and asparagine.

NM_018979.4(WNK1):c.6778G>A (p.Asp2260Asn)

Gene: WNK1 (WNK lysine deficient protein kinase 1; plus strand). Cytogenetic location: 12p13.33.
Variant type: single nucleotide variant.
Coding change: c.6778G>A on transcript NM_018979.4 (MANE Select); coding-DNA position 6778, G replaced by A.
Protein change: p.Asp2260Asn; replaces aspartic acid 2260 with asparagine.
Molecular consequence: missense variant.
Genome position (GRCh38, 1-based): chr12:907,981, G>A. VCF-style: chr12-907981-G-A. GRCh37 (hg19) VCF-style: chr12-1017147-G-A.
Other names: c.7558G>A, p.Asp2520Asn (NM_001184985.2); c.6034G>A, p.Asp2012Asn (NM_014823.3); c.7534G>A, p.Asp2512Asn (NM_213655.5); short protein forms D2012N, D2260N, D2512N, D2520N.
Identifiers: ClinVar variation 1009014 (VCV001009014.8), dbSNP rs1955845183, ClinGen allele CA383340607.
Genomic context (GRCh38, chr12:907,981, plus strand): 5'-TCCAGCAGGAAGGGCACATTCACAGATGACTTGCACAAGTTGGTAGACAATTGGGCCCGA[G>A]ATGCCATGAATCTCTCAGGCAGGAGAGGAAGCAAAGGGCACATGAATTACGAGGTAAGTC-3'
Protein context (NP_061852.3, residues 2250-2270): LHKLVDNWAR[Asp2260Asn]AMNLSGRRGS